The following is an entry in ClinVar:

ClinVar aggregate classification (germline): Uncertain significance. Review status: criteria provided, multiple submitters, no conflicts (2 of 4 stars). 4 submissions from 4 submitters: Uncertain significance (3). 1 of the submissions does not count toward it. Last evaluated 2025-09-28.

Conditions:
Hereditary cancer-predisposing syndrome. Also called: Hereditary Cancer Syndrome; Neoplastic Syndromes, Hereditary; Tumor predisposition; Hereditary neoplastic syndrome. Identifiers: Orphanet 140162, MedGen C0027672, MeSH D009386, MONDO:0015356.
Ataxia-telangiectasia syndrome (AT). Also called: Ataxia telangiectasia (A-T); Ataxia-telangiectasia, complementation group E; LOUIS-BAR SYNDROME; Cerebello-oculocutaneous telangiectasia; Immunodeficiency with ataxia telangiectasia; Ataxia-telangiectasia, complementation group D. Identifiers: Orphanet 100, MedGen C0004135, MONDO:0008840, OMIM 208900.

Submissions (4):

Labcorp Genetics (formerly Invitae), Labcorp
Classification: Uncertain significance for Ataxia-telangiectasia syndrome. Last evaluated: 2025-09-28. Review status: criteria provided, single submitter. Criteria: Invitae Variant Classification Sherloc (09022015). Collection method: clinical testing. Allele origin: germline.
Comment: This sequence change replaces valine, which is neutral and non-polar, with leucine, which is neutral and non-polar, at codon 1038 of the ATM protein (p.Val1038Leu). This variant is not present in population databases (gnomAD no frequency). This variant has not been reported in the literature in individuals affected with ATM-related conditions. ClinVar contains an entry for this variant (Variation ID: 232618). Invitae Evidence Modeling of protein sequence and biophysical properties (such as structural, functional, and spatial information, amino acid conservation, physicochemical variation, residue mobility, and thermodynamic stability) has been performed for this missense variant. However, the output from this modeling did not meet the statistical confidence thresholds required to predict the impact of this variant on ATM protein function. In summary, the available evidence is currently insufficient to determine the role of this variant in disease. Therefore, it has been classified as a Variant of Uncertain Significance.

Ambry Genetics
Classification: Uncertain significance for Hereditary cancer-predisposing syndrome. Last evaluated: 2023-01-30. Review status: criteria provided, single submitter. Criteria: Ambry Variant Classification Scheme 2023. Collection method: clinical testing. Allele origin: germline.
Comment: The p.V1038L variant (also known as c.3112G>C), located in coding exon 20 of the ATM gene, results from a G to C substitution at nucleotide position 3112. The valine at codon 1038 is replaced by leucine, an amino acid with highly similar properties. This amino acid position is highly conserved in available vertebrate species. In addition, this alteration is predicted to be deleterious by in silico analysis. Since supporting evidence is limited at this time, the clinical significance of this alteration remains unclear.

Color Diagnostics, LLC DBA Color Health
Classification: Uncertain significance for Hereditary cancer-predisposing syndrome. Last evaluated: 2020-12-08. Review status: criteria provided, single submitter. Criteria: ACMG Guidelines, 2015. Collection method: clinical testing. Allele origin: germline.
Comment: This missense variant replaces valine with leucine at codon 1038 of the ATM protein. Computational prediction is inconclusive regarding the impact of this variant on protein structure and function (internally defined REVEL score threshold 0.5 < inconclusive < 0.7, PMID: 27666373). To our knowledge, functional studies have not been reported for this variant. This variant has not been reported in individuals affected with hereditary cancer in the literature. This variant has not been identified in the general population by the Genome Aggregation Database (gnomAD). The available evidence is insufficient to determine the role of this variant in disease conclusively. Therefore, this variant is classified as a Variant of Uncertain Significance.

Natera, Inc.
Classification: Uncertain significance for Ataxia-telangiectasia. Last evaluated: 2020-09-16. Review status: no assertion criteria provided. Collection method: clinical testing. Allele origin: germline. Not counted in ClinVar's aggregate classification.

NM_000051.4(ATM):c.3112G>C (p.Val1038Leu)

Gene: ATM (ATM serine/threonine kinase; plus strand). Cytogenetic location: 11q22.3.
Variant type: single nucleotide variant.
Coding change: c.3112G>C on transcript NM_000051.4 (MANE Select); coding-DNA position 3112, G replaced by C.
Protein change: p.Val1038Leu; replaces valine 1038 with leucine.
Molecular consequence: missense variant.
Genome position (GRCh38, 1-based): chr11:108,272,566, G>C. VCF-style: chr11-108272566-G-C. GRCh37 (hg19) VCF-style: chr11-108143293-G-C.
Other names: c.3112G>C, p.Val1038Leu (NM_001351834.2); short protein forms V1038L.
Identifiers: ClinVar variation 232618 (VCV000232618.18), dbSNP rs876659877, ClinGen allele CA10579085.